The following is an entry in ClinVar:

NM_024529.5(CDC73):c.761A>G (p.Gln254Arg)

Gene: CDC73 (cell division cycle 73; plus strand). Cytogenetic location: 1q31.2.
Variant type: single nucleotide variant.
Coding change: c.761A>G on transcript NM_024529.5 (MANE Select); coding-DNA position 761, A replaced by G.
Protein change: p.Gln254Arg; replaces glutamine 254 with arginine.
Molecular consequence: missense variant.
Genome position (GRCh38, 1-based): chr1:193,147,898, A>G. VCF-style: chr1-193147898-A-G. GRCh37 (hg19) VCF-style: chr1-193117028-A-G.
Other names: c.761A>G (NM_024529.4); short protein forms Q254R.
Identifiers: ClinVar variation 1362858 (VCV001362858.16), dbSNP rs2103130545, ClinGen allele CA343963914.
Genomic context (GRCh38, chr1:193,147,898, plus strand): 5'-GGCTTAATTAAAATCCATTTATATTTTAGAATTTTTCCAAGAACATTTTTGCAATTCTTC[A>G]ATCTGTAAAAGCCAGAGAAGAAGGGCGTGCACCTGAACAGCGACCTGCCCCAAATGCAGC-3'
Protein context (NP_078805.3, residues 244-264): NFSKNIFAIL[Gln254Arg]SVKAREEGRA

ClinVar aggregate classification (germline): Uncertain significance. Review status: criteria provided, multiple submitters, no conflicts (2 of 4 stars). 3 submissions from 3 submitters: Uncertain significance (3). Last evaluated 2025-03-04.

Conditions:
Hereditary cancer-predisposing syndrome. Also called: Neoplastic Syndromes, Hereditary; Tumor predisposition; Hereditary neoplastic syndrome; Hereditary Cancer Syndrome. Identifiers: Orphanet 140162, MedGen C0027672, MeSH D009386, MONDO:0015356.
Parathyroid carcinoma (PRTC). Also called: CDC73-Related Parathyroid Carcinoma; Parathyroid gland carcinoma. Identifiers: Orphanet 143, MedGen C0687150, MONDO:0012004, OMIM 608266, HP:0006780.

Submissions (3):

Center for Genomic Medicine, Rigshospitalet, Copenhagen University Hospital
Classification: Uncertain significance. Last evaluated: 2025-03-04. Review status: criteria provided, single submitter. Criteria: ACMG Guidelines, 2015. Collection method: clinical testing. Allele origin: germline.

Ambry Genetics
Classification: Uncertain significance for Hereditary cancer-predisposing syndrome. Last evaluated: 2025-01-04. Review status: criteria provided, single submitter. Criteria: Ambry Variant Classification Scheme 2023. Collection method: clinical testing. Allele origin: germline.
Comment: The p.Q254R variant (also known as c.761A>G), located in coding exon 8 of the CDC73 gene, results from an A to G substitution at nucleotide position 761. The glutamine at codon 254 is replaced by arginine, an amino acid with highly similar properties. This amino acid position is conserved. In addition, the in silico prediction for this alteration is inconclusive. Based on the available evidence, the clinical significance of this variant remains unclear.

Labcorp Genetics (formerly Invitae), Labcorp
Classification: Uncertain significance for Parathyroid carcinoma. Last evaluated: 2024-04-10. Review status: criteria provided, single submitter. Criteria: Invitae Variant Classification Sherloc (09022015). Collection method: clinical testing. Allele origin: germline.
Comment: This sequence change replaces glutamine, which is neutral and polar, with arginine, which is basic and polar, at codon 254 of the CDC73 protein (p.Gln254Arg). This variant is not present in population databases (gnomAD no frequency). This variant has not been reported in the literature in individuals affected with CDC73-related conditions. ClinVar contains an entry for this variant (Variation ID: 1362858). Advanced modeling of protein sequence and biophysical properties (such as structural, functional, and spatial information, amino acid conservation, physicochemical variation, residue mobility, and thermodynamic stability) performed at Invitae indicates that this missense variant is not expected to disrupt CDC73 protein function with a negative predictive value of 80%. In summary, the available evidence is currently insufficient to determine the role of this variant in disease. Therefore, it has been classified as a Variant of Uncertain Significance.